The following is an entry in ClinVar:

NM_000371.4(TTR):c.205A>C (p.Thr69Pro)

Gene: TTR (transthyretin; plus strand). Cytogenetic location: 18q12.1.
Variant type: single nucleotide variant.
Coding change: c.205A>C on transcript NM_000371.4 (MANE Select); coding-DNA position 205, A replaced by C.
Protein change: p.Thr69Pro; replaces threonine 69 with proline.
Molecular consequence: missense variant.
Genome position (GRCh38, 1-based): chr18:31,595,124, A>C. VCF-style: chr18-31595124-A-C. GRCh37 (hg19) VCF-style: chr18-29175087-A-C.
Other names: short protein forms T69P.
Identifiers: ClinVar variation 2920997 (VCV002920997.2), dbSNP rs121918081, ClinGen allele CA402156903.
Genomic context (GRCh38, chr18:31,595,124, plus strand): 5'-GCCATGCCATTTGTTTCCTCCATGCGTAACTTAATCCAGACTTTCACACCTTATAGGAAA[A>C]CCAGTGAGTCTGGAGAGCTGCATGGGCTCACAACTGAGGAGGAATTTGTAGAAGGGATAT-3'
Protein context (NP_000362.1, residues 59-79): DTWEPFASGK[Thr69Pro]SESGELHGLT

ClinVar aggregate classification (germline): Pathogenic (1 of 4 stars; one submission).

Submission:

ARUP Laboratories, Molecular Genetics and Genomics, ARUP Laboratories
Classification: Pathogenic. Last evaluated: 2023-12-20. Review status: criteria provided, single submitter. Criteria: ARUP Molecular Germline Variant Investigation Process 2024. Collection method: clinical testing. Allele origin: germline.
Comment: The TTR c.205A>C; p.Thr69Pro variant, also known as Thr49Pro, is reported in the literature in multiple individuals affected with transthyretin amyloidosis (Connors 2003, Suhr 2016). This variant is absent from the Genome Aggregation Database, indicating it is not a common polymorphism. Additionally, other amino acid substitutions at this codon (Ala, Ile, Ser) have been reported in individuals with transthyretin amyloidosis and are considered pathogenic (Connors 2003, Ikura 2022, Suhr 2016). Computational analyses predict that this variant is deleterious (REVEL: 0.974). Based on available information, this variant is considered to be pathogenic. References: Connors LH et al. Tabulation of human transthyretin (TTR) variants, 2003. Amyloid. 2003 Sep;10(3):160-84. PMID: 14640030. Ikura H et al. Three patients of transthyretin amyloidosis in a Japanese family with amyloidogenic transthyretin Thr49Ser (p.Thr69Ser) variant. Eur J Med Genet. 2022 Mar;65(3):104451. PMID: 35149236. Suhr OB et al. Survival After Transplantation in Patients With Mutations Other Than Val30Met: Extracts From the FAP World Transplant Registry. Transplantation. 2016 Feb;100(2):373-81. PMID: 26656838.